The following is an entry in ClinVar:

ClinVar aggregate classification (germline): Uncertain significance. Review status: criteria provided, multiple submitters, no conflicts (2 of 4 stars). 3 submissions from 3 submitters: Uncertain significance (3). Last evaluated 2024-03-07.

Conditions:
XIAP-related disorder. Also called: XIAP-related condition.
X-linked lymphoproliferative disease due to XIAP deficiency. Also called: XIAP DEFICIENCY; XIAP-Related Lymphoproliferative Disease, X-Linked. Identifiers: Orphanet 2442, Orphanet 538934, MedGen C1845076, MONDO:0010385, OMIM 300635.

Allele frequency attached by ClinVar (database versions not stated): ExAC 0.00001; gnomAD exomes 0.00001; gnomAD 0.00002; TOPMed 0.00004.

Submissions (3):

Labcorp Genetics (formerly Invitae), Labcorp
Classification: Uncertain significance for X-linked lymphoproliferative disease due to XIAP deficiency. Last evaluated: 2024-03-07. Review status: criteria provided, single submitter. Criteria: Invitae Variant Classification Sherloc (09022015). Collection method: clinical testing. Allele origin: germline.
Comment: This sequence change replaces arginine, which is basic and polar, with glutamine, which is neutral and polar, at codon 62 of the XIAP protein (p.Arg62Gln). This variant is present in population databases (rs755189208, gnomAD 0.01%). This variant has not been reported in the literature in individuals affected with XIAP-related conditions. ClinVar contains an entry for this variant (Variation ID: 2634592). Advanced modeling of protein sequence and biophysical properties (such as structural, functional, and spatial information, amino acid conservation, physicochemical variation, residue mobility, and thermodynamic stability) performed at Invitae indicates that this missense variant is not expected to disrupt XIAP protein function with a negative predictive value of 80%. In summary, the available evidence is currently insufficient to determine the role of this variant in disease. Therefore, it has been classified as a Variant of Uncertain Significance.

PreventionGenetics, part of Exact Sciences
Classification: Uncertain significance for XIAP-related condition. Last evaluated: 2022-08-26. Review status: criteria provided, single submitter. Criteria: ACMG Guidelines, 2015. Collection method: clinical testing. Allele origin: germline.
Comment: The XIAP c.185G>A variant is predicted to result in the amino acid substitution p.Arg62Gln. To our knowledge, this variant has not been reported in the literature. This variant is reported in 0.010% of alleles in individuals of South Asian descent in gnomAD. At this time, the clinical significance of this variant is uncertain due to the absence of conclusive functional and genetic evidence.

Neuberg Centre For Genomic Medicine, NCGM
Classification: Uncertain significance for X-linked lymphoproliferative disease due to XIAP deficiency. Review status: criteria provided, single submitter. Criteria: ACMG Guidelines, 2015. Collection method: clinical testing. Allele origin: germline. Inheritance: X-linked recessive inheritance. Affected: yes.
Comment: The missense c.185G>A p.Arg62Gln variant in XIAP gene has not been reported previously as a pathogenic variant nor as a benign variant, to our knowledge. The p.Arg62Gln variant has allele frequency 0.002% in gnomAD Exomes and is novel not in any individuals in 1000 Genomes. This variant has not been reported to the ClinVar database. The amino acid change p.Arg62Gln in XIAP is predicted as conserved by PhyloP across 100 vertebrates. The amino acid Arg at position 62 is changed to a Gln changing protein sequence and it might alter its composition and physico-chemical properties. For these reasons, this variant has been classified as Variant of Uncertain Significance VUS.

NM_001167.4(XIAP):c.185G>A (p.Arg62Gln)

Gene: XIAP (X-linked inhibitor of apoptosis; plus strand). Cytogenetic location: Xq25.
Variant type: single nucleotide variant.
Coding change: c.185G>A on transcript NM_001167.4 (MANE Select); coding-DNA position 185, G replaced by A.
Protein change: p.Arg62Gln; replaces arginine 62 with glutamine.
Molecular consequence: missense variant.
Genome position (GRCh38, 1-based): chrX:123,885,847, G>A. VCF-style: chrX-123885847-G-A. GRCh37 (hg19) VCF-style: chrX-123019697-G-A.
Other names: c.185G>A, p.Arg62Gln (NM_001204401.2, NM_001378590.1, NM_001378591.1 and 1 more transcripts); short protein forms R62Q.
Identifiers: ClinVar variation 2634592 (VCV002634592.6), dbSNP rs755189208, ClinGen allele CA10508004.